The following continues an entry in ClinVar:

NM_000350.3(ABCA4):c.1957C>T (p.Arg653Cys)

Gene: ABCA4. ClinVar aggregate classification (germline): Pathogenic. Pathogenic (1).

Submissions 13 to 16 of 16:

PreventionGenetics, part of Exact Sciences
Classification: Pathogenic for ABCA4-related condition. Last evaluated: 2024-09-03. Review status: no assertion criteria provided. Collection method: clinical testing. Allele origin: germline. Not counted in ClinVar's aggregate classification.
Comment: The ABCA4 c.1957C>T variant is predicted to result in the amino acid substitution p.Arg653Cys. This variant has been reported in multiple individuals with Stargardt disease or ABCA4-related retinal disease (for examples, see: Huang et al. 2013. PubMed ID: 23776498; Supplementary table 2, Fujinami K et al. 2018. PubMed ID: 29925512). Functional studies demonstrate that this variant impairs N-Ret-PE binding and stimulation of ATPase activity of the protein (Garces et al. 2020. PuMed ID 33375396). This variant is reported in 0.0033% of alleles in individuals of South Asian descent in gnomAD. This variant is interpreted as likely pathogenic.

Clinical Genetics DNA and cytogenetics Diagnostics Lab, Erasmus MC, Erasmus Medical Center
Classification: Likely pathogenic. Review status: no assertion criteria provided. Collection method: clinical testing. Allele origin: germline. Affected: yes. Study: VKGL Data-share Consensus. Not counted in ClinVar's aggregate classification.

Joint Genome Diagnostic Labs from Nijmegen and Maastricht, Radboudumc and MUMC+
Classification: Likely pathogenic. Review status: no assertion criteria provided. Collection method: clinical testing. Allele origin: germline. Affected: yes. Study: VKGL Data-share Consensus. Not counted in ClinVar's aggregate classification.

Retina International
No classification provided. Review status: no classification provided. Collection method: not provided. Allele origin: not provided. Not counted in ClinVar's aggregate classification.

Literature cited by the submitters: PubMed 33375396 (cited by ClinGen ABCA4 Variant Curation Expert Panel, Clingen and Institute of Human Genetics, Univ. Regensburg, Univ. Regensburg); PubMed 23776498 (cited by 3 submitters); PubMed 28559085 (cited by 3 submitters); PubMed 9466990 (cited by Labcorp Genetics (formerly Invitae), Labcorp); PubMed 10413692 (cited by Labcorp Genetics (formerly Invitae), Labcorp); PubMed 19074458 (cited by Labcorp Genetics (formerly Invitae), Labcorp); PubMed 10958763 (cited by 3billion and Institute of Human Genetics, Univ. Regensburg, Univ. Regensburg); PubMed 25346251 (cited by 3billion); PubMed 30204727 (cited by Institute of Human Genetics, Univ. Regensburg, Univ. Regensburg); PubMed 29925512 (cited by Institute of Human Genetics, Univ. Regensburg, Univ. Regensburg); PubMed 32619608 (cited by Institute of Human Genetics, Univ. Regensburg, Univ. Regensburg); PubMed 31964843 (cited by Institute of Human Genetics, Univ. Regensburg, Univ. Regensburg); PubMed 32307445 (cited by Institute of Human Genetics, Univ. Regensburg, Univ. Regensburg); PubMed 32531858 (cited by Institute of Human Genetics, Univ. Regensburg, Univ. Regensburg); PubMed 33301772 (cited by Institute of Human Genetics, Univ. Regensburg, Univ. Regensburg); PubMed 35119454 (cited by Institute of Human Genetics, Univ. Regensburg, Univ. Regensburg); PubMed 35260635 (cited by Institute of Human Genetics, Univ. Regensburg, Univ. Regensburg); PubMed 36460718 (cited by Institute of Human Genetics, Univ. Regensburg, Univ. Regensburg); PubMed 28118664 (cited by Institute of Human Genetics, Univ. Regensburg, Univ. Regensburg).